The following is an entry in ClinVar:

NM_001009944.3(PKD1):c.1605A>T (p.Gly535=)

Gene: PKD1 (polycystin 1, transient receptor potential channel interacting; minus strand). Cytogenetic location: 16p13.3.
Variant type: single nucleotide variant.
Coding change: c.1605A>T on transcript NM_001009944.3 (MANE Select); coding-DNA position 1605, A replaced by T.
Protein change: p.Gly535=; no amino-acid change (glycine 535 retained).
Molecular consequence: synonymous variant.
Genome position (GRCh38, 1-based): chr16:2,116,834, T>A on the plus strand (A>T on the coding strand, the complement: PKD1 is on the minus strand). VCF-style: chr16-2116834-T-A. GRCh37 (hg19) VCF-style: chr16-2166835-T-A.
Other names: c.1605A>T, p.Gly535= (NM_000296.4).
Identifiers: ClinVar variation 3907106 (VCV003907106.1).
Genomic context (GRCh38, chr16:2,116,834, plus strand): 5'-GCTCGGCAGGCCCCTAACCACAGCCAGCGTCTCAGGCCCCTGCCTGGCCCCCCGCACACC[T>A]CCGGGCTGCAGCTCGCAGACGTAGCTGTGCGGCGCTGAGCACAGGTCGGTGTTACACCAC-3'
Protein context (NP_001009944.3, residues 525-545): PHSYVCELQP[Gly535=]GPVQDAENLL

ClinVar aggregate classification (germline): Uncertain significance (1 of 4 stars; one submission).

Submission:

Women's Health and Genetics/Laboratory Corporation of America, LabCorp
Classification: Uncertain significance. Last evaluated: 2025-06-16. Review status: criteria provided, single submitter. Criteria: LabCorp Variant Classification Summary - May 2015. Collection method: clinical testing. Allele origin: germline.
Comment: Variant summary: PKD1 c.1605A>T (p.Gly535Gly) alters a nucleotide located close to a canonical splice site and therefore could affect mRNA splicing, leading to a significantly altered protein sequence. Several computational tools predict a significant impact on normal splicing: Two predict the variant abolishes a canonical 5' splicing donor site and two predict the variant weakens the 5' donor site. One also predicts the variant creates a cryptic 5' donor site. However, these predictions have yet to be confirmed by functional studies. The variant was absent in 136898 control chromosomes. The available data on variant occurrences in the general population are insufficient to allow any conclusion about variant significance. To our knowledge, no occurrence of c.1605A>T in individuals affected with PKD1-Biallelic Autosomal Recessive Polycystic Kidney Disease and no experimental evidence demonstrating its impact on protein function have been reported. No submitters have cited clinical-significance assessments for this variant to ClinVar. Based on the evidence outlined above, the variant was classified as uncertain significance.